The following is an entry in ClinVar:

NM_052844.4(DYNC2I2):c.978G>T (p.Lys326Asn)

Genes: DYNC2I2 (dynein 2 intermediate chain 2; minus strand), LOC126860772 (CDK7 strongly-dependent group 2 enhancer GRCh37_chr9:131396972-131398171; plus strand). Cytogenetic location: 9q34.11.
Variant type: single nucleotide variant.
Coding change: c.978G>T on transcript NM_052844.4 (MANE Select); coding-DNA position 978, G replaced by T.
Protein change: p.Lys326Asn; replaces lysine 326 with asparagine.
Molecular consequence: missense variant.
Genome position (GRCh38, 1-based): chr9:128,635,095, C>A on the plus strand (G>T on the coding strand, the complement: DYNC2I2 is on the minus strand). VCF-style: chr9-128635095-C-A. GRCh37 (hg19) VCF-style: chr9-131397374-C-A.
Other names: short protein forms K326N.
Identifiers: ClinVar variation 3701370 (VCV003701370.2).
Genomic context (GRCh38, chr9:128,635,095, plus strand): 5'-TTCCCACCCCCAAGGCTCACCGGCGCAGGCCAGGGCAGTTTCCGGGTGCCCACGTACCTT[C>A]TTGAGCTTGGTGCTCCGTGGCAGCTGCTGCATGACCAGGGCGAAGCCCTCTGTGAGCTGC-3'
Protein context (NP_443076.2, residues 316-336): MQQLPRSTKL[Lys326Asn]KHPRGETEVG

ClinVar aggregate classification (germline): Uncertain significance (1 of 4 stars; one submission).

Conditions:
Short-rib thoracic dysplasia 11 with or without polydactyly (SRTD11). Also called: SHORT-RIB THORACIC DYSPLASIA 11 WITHOUT POLYDACTYLY. Identifiers: Orphanet 474, Orphanet 93271, MedGen C3810200, MONDO:0014287, OMIM 615633.

gnomAD v4.1: 2 of 1,610,832 alleles (0.00012%); highest among the groups gnomAD compares: Non-Finnish European, 0.00017%; no homozygotes.

Submission:

Labcorp Genetics (formerly Invitae), Labcorp
Classification: Uncertain significance for Short-rib thoracic dysplasia 11 with or without polydactyly. Last evaluated: 2024-12-16. Review status: criteria provided, single submitter. Criteria: Invitae Variant Classification Sherloc (09022015). Collection method: clinical testing. Allele origin: germline.
Comment: This sequence change replaces lysine, which is basic and polar, with asparagine, which is neutral and polar, at codon 326 of the WDR34 protein (p.Lys326Asn). This variant is present in population databases (no rsID available, gnomAD 0.0009%). This variant has not been reported in the literature in individuals affected with WDR34-related conditions. An algorithm developed to predict the effect of missense changes on protein structure and function (PolyPhen-2) suggests that this variant is likely to be tolerated. In summary, the available evidence is currently insufficient to determine the role of this variant in disease. Therefore, it has been classified as a Variant of Uncertain Significance.